The following is an entry in ClinVar:

NM_005535.3(IL12RB1):c.1189+3A>G

Gene: IL12RB1 (interleukin 12 receptor subunit beta 1; minus strand). Cytogenetic location: 19p13.11.
Variant type: single nucleotide variant.
Coding change: c.1189+3A>G on transcript NM_005535.3 (MANE Select); 3 bases into the intron after coding-DNA position 1189, A replaced by G.
Molecular consequence: intron variant.
Genome position (GRCh38, 1-based): chr19:18,069,543, T>C on the plus strand (A>G on the coding strand, the complement: IL12RB1 is on the minus strand). VCF-style: chr19-18069543-T-C. GRCh37 (hg19) VCF-style: chr19-18180353-T-C.
Other names: c.1309+3A>G (NM_001290024.2); c.1189+3A>G (NM_001290023.2); c.1210+3A>G (NM_001440425.1, NM_001440424.1).
Identifiers: ClinVar variation 2173028 (VCV002173028.4), dbSNP rs1284668599, ClinGen allele CA632136929.

ClinVar aggregate classification (germline): Uncertain significance (1 of 4 stars; one submission).

Conditions:
Mendelian susceptibility to mycobacterial diseases due to complete IL12RB1 deficiency. Also called: IL12RB1 DEFICIENCY; Immunodeficiency 30. Identifiers: Orphanet 319552, MedGen C4013949, MONDO:0013955, OMIM 614891.

Allele frequency attached by ClinVar (database versions not stated): gnomAD exomes 0.00003.
gnomAD v4.1: 35 of 1,605,732 alleles (0.0022%); highest among the groups gnomAD compares: Non-Finnish European, 0.003%; no homozygotes.

Submission:

Labcorp Genetics (formerly Invitae), Labcorp
Classification: Uncertain significance for Mendelian susceptibility to mycobacterial diseases due to complete IL12RB1 deficiency. Last evaluated: 2022-03-18. Review status: criteria provided, single submitter. Criteria: Invitae Variant Classification Sherloc (09022015). Collection method: clinical testing. Allele origin: germline.
Comment: This variant has not been reported in the literature in individuals affected with IL12RB1-related conditions. This sequence change falls in intron 10 of the IL12RB1 gene. It does not directly change the encoded amino acid sequence of the IL12RB1 protein. It affects a nucleotide within the consensus splice site. This variant is present in population databases (no rsID available, gnomAD 0.002%). Variants that disrupt the consensus splice site are a relatively common cause of aberrant splicing (PMID: 17576681, 9536098). Algorithms developed to predict the effect of sequence changes on RNA splicing suggest that this variant may create or strengthen a splice site. In summary, the available evidence is currently insufficient to determine the role of this variant in disease. Therefore, it has been classified as a Variant of Uncertain Significance.

Literature cited by the submitters: PubMed 17576681; PubMed 9536098.